The following is an entry in ClinVar:

ClinVar aggregate classification (germline): Uncertain significance (1 of 4 stars; one submission).

Submission:

Labcorp Genetics (formerly Invitae), Labcorp
Classification: Uncertain significance. Last evaluated: 2026-01-12. Review status: criteria provided, single submitter. Criteria: Invitae Variant Classification Sherloc (09022015). Collection method: clinical testing. Allele origin: germline.
Comment: This sequence change replaces serine, which is neutral and polar, with threonine, which is neutral and polar, at codon 576 of the GFM1 protein (p.Ser576Thr). This variant is not present in population databases (gnomAD no frequency). This variant has not been reported in the literature in individuals affected with GFM1-related conditions. Invitae Evidence Modeling of protein sequence and biophysical properties (such as structural, functional, and spatial information, amino acid conservation, physicochemical variation, residue mobility, and thermodynamic stability) indicates that this missense variant is not expected to disrupt GFM1 protein function with a negative predictive value of 95%. In summary, the available evidence is currently insufficient to determine the role of this variant in disease. Therefore, it has been classified as a Variant of Uncertain Significance.

NM_024996.7(GFM1):c.1726T>A (p.Ser576Thr)

Gene: GFM1 (G elongation factor mitochondrial 1; plus strand). Cytogenetic location: 3q25.32.
Variant type: single nucleotide variant.
Coding change: c.1726T>A on transcript NM_024996.7 (MANE Select); coding-DNA position 1726, T replaced by A.
Protein change: p.Ser576Thr; replaces serine 576 with threonine.
Molecular consequence: missense variant. On other transcripts: non-coding transcript variant (4).
Genome position (GRCh38, 1-based): chr3:158,682,119, T>A. VCF-style: chr3-158682119-T-A. GRCh37 (hg19) VCF-style: chr3-158399908-T-A.
Other names: c.1783T>A, p.Ser595Thr (NM_001308164.2); c.1726T>A, p.Ser576Thr (NM_001308166.2); c.1645T>A, p.Ser549Thr (NM_001374355.1); c.1609T>A, p.Ser537Thr (NM_001374356.1); c.1501T>A, p.Ser501Thr (NM_001374357.1); c.1267T>A, p.Ser423Thr (NM_001374358.1); c.1159T>A, p.Ser387Thr (NM_001374359.1, NM_001374360.1); c.1042T>A, p.Ser348Thr (NM_001374361.1); short protein forms S501T, S549T, S576T, S348T, S387T, S537T, S595T, S423T.
Identifiers: ClinVar variation 4747397 (VCV004747397.1).